The following is an entry in ClinVar:

NM_182961.4(SYNE1):c.24354C>G (p.Asp8118Glu)

Gene: SYNE1 (spectrin repeat containing nuclear envelope protein 1; minus strand). Cytogenetic location: 6q25.2.
Variant type: single nucleotide variant.
Coding change: c.24354C>G on transcript NM_182961.4 (MANE Select); coding-DNA position 24354, C replaced by G.
Protein change: p.Asp8118Glu; replaces aspartic acid 8118 with glutamic acid.
Molecular consequence: missense variant.
Genome position (GRCh38, 1-based): chr6:152,151,649, G>C on the plus strand (C>G on the coding strand, the complement: SYNE1 is on the minus strand). VCF-style: chr6-152151649-G-C. GRCh37 (hg19) VCF-style: chr6-152472784-G-C.
Other names: c.960C>G, p.Asp320Glu (NM_001347701.2); c.819C>G, p.Asp273Glu (NM_001347702.2); c.24141C>G, p.Asp8047Glu (NM_033071.5); short protein forms D8047E, D8118E, D273E, D320E.
Identifiers: ClinVar variation 538386 (VCV000538386.9), dbSNP rs149940427, ClinGen allele CA4053193.

ClinVar aggregate classification (germline): Uncertain significance. Review status: criteria provided, multiple submitters, no conflicts (2 of 4 stars). 4 submissions from 4 submitters: Uncertain significance (4). Last evaluated 2023-05-09.

Conditions:
SYNE1-related disorder. Also called: SYNE1-related disorders; SYNE1-related disease; SYNE1-related condition.
Emery-Dreifuss muscular dystrophy 4, autosomal dominant (EDMD4). Also called: EMERY-DREIFUSS MUSCULAR DYSTROPHY 4 WITH VARIABLE FEATURES. Identifiers: Orphanet 261, MedGen C2751807, MONDO:0013071, OMIM 612998.
Autosomal recessive ataxia, Beauce type. Also called: SYNE1-Related Autosomal Recessive Cerebellar Ataxia; Spinocerebellar ataxia, autosomal recessive 8; ATAXIA, RECESSIVE, OF BEAUCE; SYNE1 Deficiency. Identifiers: Orphanet 88644, MedGen C1853116, MONDO:0012549, OMIM 610743.

Allele frequency attached by ClinVar (database versions not stated): ExAC 0.00002; gnomAD 0.00002 and 0.00003; gnomAD exomes below 0.00001 and 0.00001; TOPMed below 0.00001; ESP Exome Variant Server 0.00008; 1000 Genomes Project 30x 0.00016; 1000 Genomes Project 0.00020.
gnomAD v4.1: 7 of 1,614,108 alleles (0.00043%); highest among the groups gnomAD compares: African/African-American, 0.004%; no homozygotes.

Submissions (4):

PreventionGenetics, part of Exact Sciences
Classification: Uncertain significance for SYNE1-related condition. Last evaluated: 2023-05-09. Review status: criteria provided, single submitter. Criteria: ACMG Guidelines, 2015. Collection method: clinical testing. Allele origin: germline.
Comment: The SYNE1 c.24141C>G variant is predicted to result in the amino acid substitution p.Asp8047Glu. To our knowledge, this variant has not been reported in the literature. This variant is reported in 0.012% of alleles in individuals of African descent in gnomAD. At this time, the clinical significance of this variant is uncertain due to the absence of conclusive functional and genetic evidence.

Labcorp Genetics (formerly Invitae), Labcorp
Classification: Uncertain significance for Emery-Dreifuss muscular dystrophy 4, autosomal dominant; Autosomal recessive ataxia, Beauce type. Last evaluated: 2022-04-21. Review status: criteria provided, single submitter. Criteria: Invitae Variant Classification Sherloc (09022015). Collection method: clinical testing. Allele origin: germline.
Comment: This sequence change replaces aspartic acid, which is acidic and polar, with glutamic acid, which is acidic and polar, at codon 8047 of the SYNE1 protein (p.Asp8047Glu). This variant is present in population databases (rs149940427, gnomAD 0.008%). This variant has not been reported in the literature in individuals affected with SYNE1-related conditions. ClinVar contains an entry for this variant (Variation ID: 538386). Algorithms developed to predict the effect of missense changes on protein structure and function output the following: SIFT: "Deleterious"; PolyPhen-2: "Benign"; Align-GVGD: "Class C0". The glutamic acid amino acid residue is found in multiple mammalian species, which suggests that this missense change does not adversely affect protein function. In summary, the available evidence is currently insufficient to determine the role of this variant in disease. Therefore, it has been classified as a Variant of Uncertain Significance.

Baylor Genetics
Classification: Uncertain significance for Emery-Dreifuss muscular dystrophy 4, autosomal dominant. Last evaluated: 2022-02-11. Review status: criteria provided, single submitter. Criteria: ACMG Guidelines, 2015. Collection method: clinical testing. Allele origin: unknown.

Revvity Omics, Revvity
Classification: Uncertain significance. Last evaluated: 2020-03-09. Review status: criteria provided, single submitter. Criteria: ACMG Guidelines, 2015. Collection method: clinical testing. Allele origin: germline.